The following is an entry in ClinVar:

ClinVar aggregate classification (germline): Uncertain significance (1 of 4 stars; one submission).

gnomAD v4.1: 2 of 1,613,802 alleles (0.00012%); highest among the groups gnomAD compares: Non-Finnish European, 0.00017%; no homozygotes.

Submission:

Mayo Clinic Laboratories, Mayo Clinic
Classification: Uncertain significance. Last evaluated: 2025-12-12. Review status: criteria provided, single submitter. Criteria: ACMG Guidelines, 2015. Collection method: clinical testing. Allele origin: germline. Observed: 1 variant allele.
Comment: PM2_supporting

NM_001277115.2(DNAH11):c.11561G>T (p.Trp3854Leu)

Gene: DNAH11 (dynein axonemal heavy chain 11; plus strand). Cytogenetic location: 7p15.3.
Variant type: single nucleotide variant.
Coding change: c.11561G>T on transcript NM_001277115.2 (MANE Select); coding-DNA position 11561, G replaced by T.
Protein change: p.Trp3854Leu; replaces tryptophan 3854 with leucine.
Molecular consequence: missense variant.
Genome position (GRCh38, 1-based): chr7:21,866,534, G>T. VCF-style: chr7-21866534-G-T. GRCh37 (hg19) VCF-style: chr7-21906152-G-T.
Other names: p.Trp3854Leu; short protein forms W3854L.
Identifiers: ClinVar variation 4541266 (VCV004541266.1).